The following is an entry in ClinVar:

NM_178857.6(RP1L1):c.593C>T (p.Thr198Met)

Gene: RP1L1 (RP1 like 1). Cytogenetic location: 8p23.1.
Variant type: single nucleotide variant.
Coding change: c.593C>T on transcript NM_178857.6 (MANE Select); coding-DNA position 593, C replaced by T.
Protein change: p.Thr198Met; replaces threonine 198 with methionine.
Molecular consequence: missense variant.
Genome position (GRCh38, 1-based): chr8:10,622,609, G>A on the plus strand (C>T on the coding strand, the complement: RP1L1 is on the minus strand). VCF-style: chr8-10622609-G-A. GRCh37 (hg19) VCF-style: chr8-10480119-G-A.
Other names: short protein forms T198M.
Identifiers: ClinVar variation 1436902 (VCV001436902.10), dbSNP rs757917733, ClinGen allele CA4625633.

ClinVar aggregate classification (germline): Uncertain significance. Review status: criteria provided, multiple submitters, no conflicts (2 of 4 stars). 3 submissions from 3 submitters: Uncertain significance (2). 1 of the submissions does not count toward it. Last evaluated 2025-04-17.

Conditions:
Retinal dystrophy. Also called: Inherited retinal dystrophy. Identifiers: Orphanet 71862, MedGen C0854723, MeSH D058499, MONDO:0019118, HP:0000556.

Allele frequency attached by ClinVar (database versions not stated): gnomAD 0.00001 and 0.00002; gnomAD exomes 0.00007; ExAC 0.00009; 1000 Genomes Project 30x 0.00031.
gnomAD v4.1: 100 of 1,614,166 alleles (0.0062%); highest among the groups gnomAD compares: South Asian, 0.069%; 1 homozygote.

Submissions (3):

Labcorp Genetics (formerly Invitae), Labcorp
Classification: Uncertain significance. Last evaluated: 2025-04-17. Review status: criteria provided, single submitter. Criteria: Invitae Variant Classification Sherloc (09022015). Collection method: clinical testing. Allele origin: germline.
Comment: This sequence change replaces threonine, which is neutral and polar, with methionine, which is neutral and non-polar, at codon 198 of the RP1L1 protein (p.Thr198Met). This variant is present in population databases (rs757917733, gnomAD 0.06%). This variant has not been reported in the literature in individuals affected with RP1L1-related conditions. ClinVar contains an entry for this variant (Variation ID: 1436902). Invitae Evidence Modeling of protein sequence and biophysical properties (such as structural, functional, and spatial information, amino acid conservation, physicochemical variation, residue mobility, and thermodynamic stability) indicates that this missense variant is not expected to disrupt RP1L1 protein function with a negative predictive value of 80%. In summary, the available evidence is currently insufficient to determine the role of this variant in disease. Therefore, it has been classified as a Variant of Uncertain Significance.

Blueprint Genetics
Classification: Uncertain significance. Last evaluated: 2022-09-29. Review status: criteria provided, single submitter. Criteria: ACMG Guidelines, 2015. Collection method: clinical testing. Allele origin: germline.

Institute of Human Genetics, Univ. Regensburg, Univ. Regensburg
Classification: Uncertain significance for Retinal dystrophy. Last evaluated: 2023-01-01. Review status: no assertion criteria provided. Criteria: ACMG Guidelines, 2015. Collection method: clinical testing. Allele origin: germline. Affected: yes. Not counted in ClinVar's aggregate classification.